The following is an entry in ClinVar:

NM_001987.5(ETV6):c.441dup (p.Leu148fs)

Gene: ETV6 (ETS variant transcription factor 6; plus strand). Cytogenetic location: 12p13.2.
Variant type: Duplication.
Coding change: c.441dup on transcript NM_001987.5 (MANE Select); coding-DNA position 441, one base duplicated (A; older notation c.441dupA).
Protein change: p.Leu148fs; shifts the reading frame from leucine 148.
Molecular consequence: frameshift variant.
Genome position (GRCh38, 1-based): chr12:11,853,539, A duplicated. VCF-style (leftmost placement, unchanged base first): chr12-11853538-T-TA. GRCh37 (hg19) VCF-style: chr12-12006472-T-TA.
Other names: c.438dup, p.Leu147fs (NM_001413913.1); c.414dup, p.Leu139fs (NM_001413914.1); c.177dup, p.Leu60fs (NM_001413915.1); c.441dup, p.Leu148fs (NM_001413916.1, NM_001413917.1); c.441dupA (NM_001987.4); short protein forms L139fs, L60fs, L147fs, L148fs.
Identifiers: ClinVar variation 4618845 (VCV004618845.1).
Genomic context (GRCh38, chr12:11,853,538, plus strand): 5'-GGATTCTTTTTTCACCATTCTTCCACCCTGGAAACTCTATACACACACAGCCGGAGGTCA[T>TA]ACTGCATCAGAACCATGAAGAAGGTACTGGAAGAGGTTTCTCTTTTCTTGCCTGAGGTTT-3'

ClinVar aggregate classification (germline): Pathogenic (1 of 4 stars; one submission).

Conditions:
Inborn genetic diseases. Identifiers: MedGen C0950123, MeSH D030342.

Submission:

Ambry Genetics
Classification: Pathogenic for Inborn genetic diseases. Last evaluated: 2025-09-26. Review status: criteria provided, single submitter. Criteria: Ambry Variant Classification Scheme 2023. Collection method: clinical testing. Allele origin: germline.
Comment: The c.441dupA pathogenic mutation, located in coding exon 4 of the ETV6 gene, results from a duplication of A at nucleotide position 441, causing a translational frameshift with a predicted alternate stop codon (p.L148Tfs*6). This variant is considered to be rare based on population cohorts in the Genome Aggregation Database (gnomAD). This alteration is expected to result in loss of function by premature protein truncation or nonsense-mediated mRNA decay. As such, this alteration is interpreted as a disease-causing mutation.